The following is an entry in ClinVar:

NM_004006.3(DMD):c.9197C>A (p.Ser3066Ter)

Gene: DMD (dystrophin; minus strand). Cytogenetic location: Xp21.2.
Variant type: single nucleotide variant.
Coding change: c.9197C>A on transcript NM_004006.3 (MANE Select); coding-DNA position 9197, C replaced by A.
Protein change: p.Ser3066Ter; replaces serine 3066 with a stop codon.
Molecular consequence: nonsense.
Genome position (GRCh38, 1-based): chrX:31,323,625, G>T on the plus strand (C>A on the coding strand, the complement: DMD is on the minus strand). VCF-style: chrX-31323625-G-T. GRCh37 (hg19) VCF-style: chrX-31341742-G-T.
Other names: c.9173C>A, p.Ser3058Ter (NM_000109.4); c.9185C>A, p.Ser3062Ter (NM_004009.3); c.8828C>A, p.Ser2943Ter (NM_004010.3); c.5174C>A, p.Ser1725Ter (NM_004011.4); c.5165C>A, p.Ser1722Ter (NM_004012.4); c.1817C>A, p.Ser606Ter (NM_004013.3, NM_004020.4, NM_004021.3 and 2 more transcripts); c.1010C>A, p.Ser337Ter (NM_004014.3); short protein forms S3066*, S3058*, S3062*, S606*, S2943*, S337*, S1722*, S1725*.
Identifiers: ClinVar variation 11270 (VCV000011270.11), dbSNP rs128626254, ClinGen allele CA341076.

ClinVar aggregate classification (germline): Pathogenic. Review status: criteria provided, single submitter (1 of 4 stars). 2 submissions from 2 submitters: Pathogenic (1). 1 of the submissions does not count toward it. Last evaluated 2020-12-31.

Conditions:
Duchenne muscular dystrophy (DMD). Also called: MUSCULAR DYSTROPHY, PSEUDOHYPERTROPHIC PROGRESSIVE, DUCHENNE TYPE; Duchenne Muscular Dystrophy (DMD). Identifiers: Orphanet 98896, MedGen C0013264, MONDO:0010679, OMIM 310200.

Submissions (2):

Labcorp Genetics (formerly Invitae), Labcorp
Classification: Pathogenic for Duchenne muscular dystrophy. Last evaluated: 2020-12-31. Review status: criteria provided, single submitter. Criteria: Invitae Variant Classification Sherloc (09022015). Collection method: clinical testing. Allele origin: germline.
Comment: For these reasons, this variant has been classified as Pathogenic. Loss-of-function variants in DMD are known to be pathogenic. This particular variant has been reported in the literature in a family affected with Duchenne muscular dystrophy (PMID: 7668256, 7951253). This variant is also known as c.9405C>A in the literature. This sequence change creates a premature translational stop signal at codon 3066 (p.Ser3066*) of the DMD gene. It is expected to result in an absent or disrupted protein product.

OMIM
Classification: Pathogenic for DUCHENNE MUSCULAR DYSTROPHY. Last evaluated: 1994-01-01. Review status: no assertion criteria provided. Collection method: literature only. Allele origin: germline. Not counted in ClinVar's aggregate classification.

Literature cited by the submitters: PubMed 7668256 (cited by Labcorp Genetics (formerly Invitae), Labcorp); PubMed 7951253 (cited by Labcorp Genetics (formerly Invitae), Labcorp and OMIM).